The following is an entry in ClinVar:

ClinVar aggregate classification (germline): Pathogenic. Review status: criteria provided, multiple submitters, no conflicts (2 of 4 stars). 2 submissions from 2 submitters: Pathogenic (2). Last evaluated 2017-12-02.

Conditions:
Hereditary breast ovarian cancer syndrome. Also called: Hereditary breast and ovarian cancer syndrome (HBOC); BRCA1- and BRCA2-Associated Hereditary Breast and Ovarian Cancer; Hereditary breast and ovarian cancer syndrome; Breast and ovarian cancer; Hereditary breast and ovarian cancer; Hereditary breast and/or ovarian cancer syndrome. Identifiers: Orphanet 145, MedGen C0677776, MeSH D061325, MONDO:0003582. Disease mechanism: loss of function.

Submissions (2):

Labcorp Genetics (formerly Invitae), Labcorp
Classification: Pathogenic for Hereditary breast ovarian cancer syndrome. Last evaluated: 2017-12-02. Review status: criteria provided, single submitter. Criteria: Invitae Variant Classification Sherloc (09022015). Collection method: clinical testing. Allele origin: germline.
Comment: For these reasons, this variant has been classified as Pathogenic. A different truncation (p.Arg1835*) that lies downstream of this variant has been determined to be pathogenic (PMID: 12393792, 11739404, 27553291, 8554067, 10486320). This suggests that deletion of this region of the BRCA1 protein is causative of disease. This variant has been reported in an individual affected with breast cancer (PMID: 26757417). This variant is not present in population databases (ExAC no frequency). This sequence change results in a premature translational stop signal in the BRCA1 gene (p.Gly1738Argfs*91). While this is not anticipated to result in nonsense mediated decay, it is expected to disrupt the last 126 amino acids of the BRCA1 protein.

GeneDx
Classification: Pathogenic. Last evaluated: 2017-03-22. Review status: criteria provided, single submitter. Criteria: GeneDx Variant Classification (06012015). Collection method: clinical testing. Allele origin: germline. Affected: yes.
Comment: This deletion of two nucleotides in BRCA1 is denoted c.5211_5212delAG at the cDNA level and p.Gly1738ArgfsX91 (G1738RfsX91) at the protein level. This variant would be defined as BRCA1 5330delAG or 5330_5331delAG using alternate nomenclature. The normal sequence, with the bases that are deleted in brackets, is TCAG[delAG]GAGA. The deletion causes a frameshift which changes a Glycine to an Arginine at codon 1738, and creates a premature stop codon at position 91 of the new reading frame. This variant is predicted to cause loss of normal protein function through either protein truncation or nonsense-mediated mRNA decay. BRCA1 c.5211_5212delAG has been observed in at least one individual with breast cancer (Ng 2016). We consider this variant to be pathogenic.

Literature cited by the submitters: PubMed 12393792 (cited by Labcorp Genetics (formerly Invitae), Labcorp); PubMed 11739404 (cited by Labcorp Genetics (formerly Invitae), Labcorp); PubMed 27553291 (cited by Labcorp Genetics (formerly Invitae), Labcorp); PubMed 8554067 (cited by Labcorp Genetics (formerly Invitae), Labcorp); PubMed 10486320 (cited by Labcorp Genetics (formerly Invitae), Labcorp); PubMed 26757417 (cited by Labcorp Genetics (formerly Invitae), Labcorp).

NM_007294.4(BRCA1):c.5211_5212del (p.Gly1738fs)

Gene: BRCA1 (BRCA1 DNA repair associated; minus strand). Cytogenetic location: 17q21.31.
Variant type: Microsatellite.
Coding change: c.5211_5212del on transcript NM_007294.4 (MANE Select); coding-DNA positions 5211 to 5212, 2 bases deleted (AG; older notation c.5211_5212delAG).
Protein change: p.Gly1738fs; shifts the reading frame from glycine 1738.
Molecular consequence: frameshift variant. On other transcripts: non-coding transcript variant (1).
Genome position (GRCh38, 1-based): chr17:43,057,117-43,057,118, CT deleted on the plus strand (AG on the coding strand, the reverse complement: BRCA1 is on the minus strand); deleting any 2 consecutive bases within chr17:43,057,117-43,057,120 gives the same sequence; the c. name uses the placement nearest the transcript's 3' end. VCF-style (leftmost placement, unchanged base first): chr17-43057116-CCT-C. GRCh37 (hg19) VCF-style: chr17-41209133-CCT-C.
Other names: c.5065_5066AG[1], p.Gly1690Argfs (NM_001407742.1, NM_001407743.1, NM_001407744.1 and 21 more transcripts); c.5206_5207AG[1], p.Gly1737Argfs (NM_001407625.1, NM_001407626.1, NM_001407858.1 and 17 more transcripts); c.1771_1772AG[1], p.Gly592Argfs (NM_001408450.1, NM_001408445.1, NM_001408446.1 and 2 more transcripts); c.5203_5204AG[1], p.Gly1736Argfs (NM_001407627.1, NM_001407628.1, NM_001407633.1 and 14 more transcripts); c.1765_1766AG[1], p.Gly590Argfs (NM_001408451.1); c.1759_1760AG[1], p.Gly588Argfs (NM_001408452.1, NM_001408454.1, NM_001408455.1 and 3 more transcripts); c.1756_1757AG[1], p.Gly587Argfs (NM_001408458.1, NM_001408459.1, NM_001408460.1 and 7 more transcripts); c.5211_5212delAG (NM_007294.3); and 76 more; short protein forms G1759fs, G634fs, G1691fs, G1738fs.
Identifiers: ClinVar variation 531396 (VCV000531396.12), dbSNP rs1555576959, ClinGen allele CA658798061.